The following is an entry in ClinVar:

NC_000001.10:g.(?_235564798)_(235564922_?)del

Gene: TBCE (tubulin folding cofactor E; plus strand). Cytogenetic location: 1q42.3.
Variant type: Deletion.
Identifiers: ClinVar variation 2424651 (VCV002424651.4).

ClinVar aggregate classification (germline): Pathogenic (1 of 4 stars; one submission).

Submission:

Labcorp Genetics (formerly Invitae), Labcorp
Classification: Pathogenic. Last evaluated: 2023-12-19. Review status: criteria provided, single submitter. Criteria: Invitae Variant Classification Sherloc (09022015). Collection method: clinical testing. Allele origin: germline.
Comment: This variant is a gross deletion of the genomic region encompassing exon(s) 3 of the TBCE gene. This deletion is out-of-frame, and is expected to create a premature termination codon and result in an absent or disrupted protein product. Loss-of-function variants in TBCE are known to be pathogenic (PMID: 27666369, 34134906, 34356170). This variant has not been reported in the literature in individuals affected with TBCE-related conditions. For these reasons, this variant has been classified as Pathogenic.

Literature cited by the submitters: PubMed 27666369; PubMed 34134906; PubMed 34356170.